The following is an entry in ClinVar:

NM_015662.3(IFT172):c.3811A>G (p.Lys1271Glu)

Genes: IFT172 (intraflagellar transport 172; minus strand), LOC126806173 (BRD4-independent group 4 enhancer GRCh37_chr2:27676057-27677256; plus strand). Cytogenetic location: 2p23.3.
Variant type: single nucleotide variant.
Coding change: c.3811A>G on transcript NM_015662.3 (MANE Select); coding-DNA position 3811, A replaced by G.
Protein change: p.Lys1271Glu; replaces lysine 1271 with glutamic acid.
Molecular consequence: missense variant.
Genome position (GRCh38, 1-based): chr2:27,453,640, T>C on the plus strand (A>G on the coding strand, the complement: IFT172 is on the minus strand). VCF-style: chr2-27453640-T-C. GRCh37 (hg19) VCF-style: chr2-27676507-T-C.
Other names: c.3745A>G, p.Lys1249Glu (NM_001410739.1); short protein forms K1271E, K1249E.
Identifiers: ClinVar variation 2096609 (VCV002096609.4), dbSNP rs2465832478, ClinGen allele CA346377886.

ClinVar aggregate classification (germline): Uncertain significance (1 of 4 stars; one submission).

Conditions:
Short-rib thoracic dysplasia 10 with or without polydactyly (SRTD10). Identifiers: Orphanet 474, MedGen C3810175, MONDO:0014284, OMIM 615630.
Retinitis pigmentosa 71 (RP71). Identifiers: Orphanet 791, MedGen C4225342, MONDO:0014618, OMIM 616394.

Submission:

Labcorp Genetics (formerly Invitae), Labcorp
Classification: Uncertain significance for Retinitis pigmentosa 71; Short-rib thoracic dysplasia 10 with or without polydactyly. Last evaluated: 2022-03-11. Review status: criteria provided, single submitter. Criteria: Invitae Variant Classification Sherloc (09022015). Collection method: clinical testing. Allele origin: germline.
Comment: In summary, the available evidence is currently insufficient to determine the role of this variant in disease. Therefore, it has been classified as a Variant of Uncertain Significance. This sequence change replaces lysine, which is basic and polar, with glutamic acid, which is acidic and polar, at codon 1271 of the IFT172 protein (p.Lys1271Glu). This variant is not present in population databases (gnomAD no frequency). This variant has not been reported in the literature in individuals affected with IFT172-related conditions. Algorithms developed to predict the effect of missense changes on protein structure and function (SIFT, PolyPhen-2, Align-GVGD) all suggest that this variant is likely to be tolerated.